The following is an entry in ClinVar:

ClinVar aggregate classification (germline): Uncertain significance. Review status: criteria provided, multiple submitters, no conflicts (2 of 4 stars). 2 submissions from 2 submitters: Uncertain significance (2). Last evaluated 2025-09-11.

Conditions:
DICER1-related tumor predisposition. Also called: DICER1-related pleuropulmonary blastoma cancer predisposition syndrome; DICER1 syndrome. Identifiers: Orphanet 284343, MedGen C3839822, MONDO:0100216.
Hereditary cancer-predisposing syndrome. Also called: Hereditary neoplastic syndrome; Neoplastic Syndromes, Hereditary; Tumor predisposition; Hereditary Cancer Syndrome. Identifiers: Orphanet 140162, MedGen C0027672, MeSH D009386, MONDO:0015356.

Allele frequency attached by ClinVar (database versions not stated): TOPMed below 0.00001.
gnomAD v4.1: 9 of 1,614,128 alleles (0.00056%); highest among the groups gnomAD compares: Non-Finnish European, 0.00068%; no homozygotes.

Submissions (2):

Labcorp Genetics (formerly Invitae), Labcorp
Classification: Uncertain significance for DICER1-related tumor predisposition. Last evaluated: 2025-09-11. Review status: criteria provided, single submitter. Criteria: Invitae Variant Classification Sherloc (09022015). Collection method: clinical testing. Allele origin: germline.
Comment: This sequence change replaces threonine, which is neutral and polar, with serine, which is neutral and polar, at codon 952 of the DICER1 protein (p.Thr952Ser). This variant is not present in population databases (gnomAD no frequency). This variant has not been reported in the literature in individuals affected with DICER1-related conditions. ClinVar contains an entry for this variant (Variation ID: 483455). Invitae Evidence Modeling of protein sequence and biophysical properties (such as structural, functional, and spatial information, amino acid conservation, physicochemical variation, residue mobility, and thermodynamic stability) indicates that this missense variant is not expected to disrupt DICER1 protein function with a negative predictive value of 95%. In summary, the available evidence is currently insufficient to determine the role of this variant in disease. Therefore, it has been classified as a Variant of Uncertain Significance.

Ambry Genetics
Classification: Uncertain significance for Hereditary cancer-predisposing syndrome. Last evaluated: 2025-05-30. Review status: criteria provided, single submitter. Criteria: Ambry Variant Classification Scheme 2023. Collection method: clinical testing. Allele origin: germline.
Comment: The p.T952S variant (also known as c.2854A>T), located in coding exon 17 of the DICER1 gene, results from an A to T substitution at nucleotide position 2854. The threonine at codon 952 is replaced by serine, an amino acid with similar properties. This amino acid position is highly conserved in available vertebrate species. In addition, this alteration is predicted to be tolerated by in silico analysis. Based on the available evidence, the clinical significance of this variant remains unclear.

NM_177438.3(DICER1):c.2854A>T (p.Thr952Ser)

Gene: DICER1 (dicer 1, ribonuclease III; minus strand). Cytogenetic location: 14q32.13.
Variant type: single nucleotide variant.
Coding change: c.2854A>T on transcript NM_177438.3 (MANE Select); coding-DNA position 2854, A replaced by T.
Protein change: p.Thr952Ser; replaces threonine 952 with serine.
Molecular consequence: missense variant.
Genome position (GRCh38, 1-based): chr14:95,106,174, T>A on the plus strand (A>T on the coding strand, the complement: DICER1 is on the minus strand). VCF-style: chr14-95106174-T-A. GRCh37 (hg19) VCF-style: chr14-95572511-T-A.
Other names: c.2854A>T, p.Thr952Ser (NM_001195573.1, NM_001271282.3, NM_001291628.2 and 1 more transcripts); short protein forms T952S.
Identifiers: ClinVar variation 483455 (VCV000483455.16), dbSNP rs1060503636, ClinGen allele CA390879148.